The following is an entry in ClinVar:

NM_001042424.3(NSD2):c.3276C>T (p.Tyr1092=)

Gene: NSD2 (nuclear receptor binding SET domain protein 2; plus strand). Cytogenetic location: 4p16.3.
Variant type: single nucleotide variant.
Coding change: c.3276C>T on transcript NM_001042424.3 (MANE Select); coding-DNA position 3276, C replaced by T.
Protein change: p.Tyr1092=; no amino-acid change (tyrosine 1092 retained).
Molecular consequence: synonymous variant.
Genome position (GRCh38, 1-based): chr4:1,961,055, C>T. VCF-style: chr4-1961055-C-T. GRCh37 (hg19) VCF-style: chr4-1962782-C-T.
Other names: c.3276C>T (NM_001042424.2); c.3276C>T, p.Tyr1092= (NM_133330.3, NM_133331.3, NM_133335.4).
Identifiers: ClinVar variation 731776 (VCV000731776.46), dbSNP rs145743173, ClinGen allele CA2812670.

ClinVar aggregate classification (germline): Likely benign. Review status: criteria provided, multiple submitters, no conflicts (2 of 4 stars). 4 submissions from 4 submitters: Likely benign (3). 1 of the submissions does not count toward it. Last evaluated 2026-07-01.

Conditions:
NSD2-related disorder. Also called: NSD2-related condition; NSD2 related disorders.

Allele frequency attached by ClinVar (database versions not stated): ExAC 0.00035; ESP Exome Variant Server 0.00038; gnomAD 0.00042 and 0.00044; TOPMed 0.00046; gnomAD exomes 0.00047 and 0.00058.
gnomAD v4.1: 955 of 1,612,960 alleles (0.059%); highest among the groups gnomAD compares: Middle Eastern, 0.066%; 1 homozygote.

Submissions (4):

CeGaT Center for Human Genetics Tuebingen
Classification: Likely benign. Last evaluated: 2026-07-01. Review status: criteria provided, single submitter. Criteria: CeGaT Center For Human Genetics Tuebingen Variant Classification Criteria Version 2. Collection method: clinical testing. Allele origin: germline. Affected: yes. Observed: 5 variant alleles.
Comment: NSD2: BP4, BP7

Labcorp Genetics (formerly Invitae), Labcorp
Classification: Likely benign. Last evaluated: 2025-10-21. Review status: criteria provided, single submitter. Criteria: Invitae Variant Classification Sherloc (09022015). Collection method: clinical testing. Allele origin: germline.

Breakthrough Genomics
Classification: Likely benign. Review status: criteria provided, single submitter. Criteria: ACMG Guidelines, 2015. Collection method: not provided. Allele origin: germline. Inheritance: Autosomal dominant inheritance. Affected: yes.

PreventionGenetics, part of Exact Sciences
Classification: Likely benign for NSD2-related condition. Last evaluated: 2019-07-22. Review status: no assertion criteria provided. Collection method: clinical testing. Allele origin: germline. Not counted in ClinVar's aggregate classification.
Comment: This variant is classified as likely benign based on ACMG/AMP sequence variant interpretation guidelines (Richards et al. 2015 PMID: 25741868, with internal and published modifications).